The following is an entry in ClinVar:

ClinVar aggregate classification (germline): Uncertain significance (1 of 4 stars; one submission).

Allele frequency attached by ClinVar (database versions not stated): gnomAD exomes below 0.00001 and 0.00001; TOPMed below 0.00001; ExAC 0.00001; gnomAD 0.00001.

Submission:

Labcorp Genetics (formerly Invitae), Labcorp
Classification: Uncertain significance. Last evaluated: 2022-07-12. Review status: criteria provided, single submitter. Criteria: Invitae Variant Classification Sherloc (09022015). Collection method: clinical testing. Allele origin: germline.
Comment: In summary, the available evidence is currently insufficient to determine the role of this variant in disease. Therefore, it has been classified as a Variant of Uncertain Significance. Algorithms developed to predict the effect of missense changes on protein structure and function are either unavailable or do not agree on the potential impact of this missense change (SIFT: "Deleterious"; PolyPhen-2: "Probably Damaging"; Align-GVGD: "Class C0"). ClinVar contains an entry for this variant (Variation ID: 1007421). This variant has not been reported in the literature in individuals affected with LRP5-related conditions. This variant is present in population databases (rs753630884, gnomAD 0.0009%). This sequence change replaces serine, which is neutral and polar, with leucine, which is neutral and non-polar, at codon 1570 of the LRP5 protein (p.Ser1570Leu).

NM_002335.4(LRP5):c.4709C>T (p.Ser1570Leu)

Gene: LRP5 (LDL receptor related protein 5; plus strand). Cytogenetic location: 11q13.2.
Variant type: single nucleotide variant.
Coding change: c.4709C>T on transcript NM_002335.4 (MANE Select); coding-DNA position 4709, C replaced by T.
Protein change: p.Ser1570Leu; replaces serine 1570 with leucine.
Molecular consequence: missense variant.
Genome position (GRCh38, 1-based): chr11:68,448,931, C>T. VCF-style: chr11-68448931-C-T. GRCh37 (hg19) VCF-style: chr11-68216399-C-T.
Other names: c.2966C>T, p.Ser989Leu (NM_001291902.2); short protein forms S1570L, S989L.
Identifiers: ClinVar variation 1007421 (VCV001007421.8), dbSNP rs753630884, ClinGen allele CA6150488.